The following is an entry in ClinVar:

ClinVar aggregate classification (germline): Uncertain significance. Review status: criteria provided, multiple submitters, no conflicts (2 of 4 stars). 2 submissions from 2 submitters: Uncertain significance (2). Last evaluated 2025-01-24.

Conditions:
Inborn genetic diseases. Identifiers: MedGen C0950123, MeSH D030342.

Allele frequency attached by ClinVar (database versions not stated): TOPMed 0.00002.
gnomAD v4.1: 11 of 1,509,348 alleles (0.00073%); highest among the groups gnomAD compares: Non-Finnish European, 0.00079%; no homozygotes.

Submissions (2):

Ambry Genetics
Classification: Uncertain significance for Inborn genetic diseases. Last evaluated: 2025-01-24. Review status: criteria provided, single submitter. Criteria: Ambry Variant Classification Scheme 2023. Collection method: clinical testing. Allele origin: germline.

Labcorp Genetics (formerly Invitae), Labcorp
Classification: Uncertain significance. Last evaluated: 2024-11-05. Review status: criteria provided, single submitter. Criteria: Invitae Variant Classification Sherloc (09022015). Collection method: clinical testing. Allele origin: germline.
Comment: This sequence change replaces glutamic acid, which is acidic and polar, with glutamine, which is neutral and polar, at codon 945 of the ARHGEF18 protein (p.Glu945Gln). This variant is not present in population databases (gnomAD no frequency). This variant has not been reported in the literature in individuals affected with ARHGEF18-related conditions. ClinVar contains an entry for this variant (Variation ID: 942095). An algorithm developed to predict the effect of missense changes on protein structure and function (PolyPhen-2) suggests that this variant is likely to be disruptive. In summary, the available evidence is currently insufficient to determine the role of this variant in disease. Therefore, it has been classified as a Variant of Uncertain Significance.

NM_001367823.1(ARHGEF18):c.3397G>C (p.Glu1133Gln)

Gene: ARHGEF18 (Rho/Rac guanine nucleotide exchange factor 18; plus strand). Cytogenetic location: 19p13.2.
Variant type: single nucleotide variant.
Coding change: c.3397G>C on transcript NM_001367823.1 (MANE Select); coding-DNA position 3397, G replaced by C.
Protein change: p.Glu1133Gln; replaces glutamic acid 1133 with glutamine.
Molecular consequence: missense variant.
Genome position (GRCh38, 1-based): chr19:7,467,601, G>C. VCF-style: chr19-7467601-G-C. GRCh37 (hg19) VCF-style: chr19-7532487-G-C.
Other names: c.2671G>C, p.Glu891Gln (NM_001130955.2); c.2359G>C, p.Glu787Gln (NM_001367824.1, NM_015318.4); short protein forms E891Q, E1133Q, E787Q.
Identifiers: ClinVar variation 942095 (VCV000942095.7), dbSNP rs1357242787, ClinGen allele CA403089493.